The following is an entry in ClinVar:

ClinVar aggregate classification (germline): Conflicting classifications of pathogenicity. Review status: criteria provided, conflicting classifications (1 of 4 stars). 2 submissions from 2 submitters: Uncertain significance (1); Likely benign (1). Last evaluated 2026-02-19.

Conditions:
EGFR-related lung cancer (EGFR). Identifiers: MedGen CN130014.
Hereditary cancer-predisposing syndrome. Also called: Tumor predisposition; Neoplastic Syndromes, Hereditary; Hereditary Cancer Syndrome; Hereditary neoplastic syndrome. Identifiers: Orphanet 140162, MedGen C0027672, MeSH D009386, MONDO:0015356.

Allele frequency attached by ClinVar (database versions not stated): gnomAD exomes below 0.00001; TOPMed 0.00001.
gnomAD v4.1: 2 of 1,516,650 alleles (0.00013%); highest among the groups gnomAD compares: East Asian, 0.0028%; no homozygotes.

Submissions (2):

Ambry Genetics
Classification: Likely benign for Hereditary cancer-predisposing syndrome. Last evaluated: 2026-02-19. Review status: criteria provided, single submitter. Criteria: Ambry Variant Classification Scheme 2023. Collection method: clinical testing. Allele origin: germline.

Labcorp Genetics (formerly Invitae), Labcorp
Classification: Uncertain significance for EGFR-related lung cancer. Last evaluated: 2025-09-15. Review status: criteria provided, single submitter. Criteria: Invitae Variant Classification Sherloc (09022015). Collection method: clinical testing. Allele origin: germline.
Comment: This sequence change replaces serine, which is neutral and polar, with asparagine, which is neutral and polar, at codon 22 of the EGFR protein (p.Ser22Asn). This variant is not present in population databases (gnomAD no frequency). This variant has not been reported in the literature in individuals affected with EGFR-related conditions. ClinVar contains an entry for this variant (Variation ID: 2781466). An algorithm developed to predict the effect of missense changes on protein structure and function (PolyPhen-2) suggests that this variant is likely to be tolerated. In summary, the available evidence is currently insufficient to determine the role of this variant in disease. Therefore, it has been classified as a Variant of Uncertain Significance.

NM_005228.5(EGFR):c.65G>A (p.Ser22Asn)

Gene: EGFR (epidermal growth factor receptor; plus strand). Cytogenetic location: 7p11.2.
Variant type: single nucleotide variant.
Coding change: c.65G>A on transcript NM_005228.5 (MANE Select); coding-DNA position 65, G replaced by A.
Protein change: p.Ser22Asn; replaces serine 22 with asparagine.
Molecular consequence: missense variant.
Genome position (GRCh38, 1-based): chr7:55,019,342, G>A. VCF-style: chr7-55019342-G-A. GRCh37 (hg19) VCF-style: chr7-55087035-G-A.
Other names: c.65G>A, p.Ser22Asn (NM_001346897.2, NM_001346898.2, NM_001346899.2 and 4 more transcripts); short protein forms S22N.
Identifiers: ClinVar variation 2781466 (VCV002781466.4), dbSNP rs1257423707, ClinGen allele CA367611276.